The following is an entry in ClinVar:

ClinVar aggregate classification (germline): Uncertain significance (1 of 4 stars; one submission).

Conditions:
Malignant hyperthermia, susceptibility to, 1 (MHS1). Also called: Anesthesia related hyperthermia; Malignant hyperpyrexia; Fulminating hyperpyrexia; Pharmacogenic myopathy; RYR1-Related Malignant Hyperthermia Susceptibility; Malignant hyperthermia suceptibility 1. Identifiers: Orphanet 423, MedGen C2930980, MONDO:0007783, OMIM 145600.

Submission:

All of Us Research Program, National Institutes of Health
Classification: Uncertain significance for Malignant hyperthermia, susceptibility to, 1. Last evaluated: 2023-05-15. Review status: criteria provided, single submitter. Criteria: ACMG Guidelines, 2015. Collection method: clinical testing. Allele origin: germline. Inheritance: Autosomal dominant inheritance. Observed: 1 variant allele, 1 heterozygote.
Comment: This variant results in the in-frame deletion of one amino acid in the RYR1 protein. To our knowledge, functional studies have not been reported for this variant. This variant has not been reported in individuals affected with RYR1-related disorders in the literature. This variant has not been identified in the general population by the Genome Aggregation Database (gnomAD). The available evidence is insufficient to determine the role of this variant in disease conclusively. Therefore, this variant is classified as a Variant of Uncertain Significance.

This study involves interpretation of variants in research participants for the purpose of population health screening. Participant phenotype was not available at the time of variant classification. Additional details can be found in publication PMID: 35346344, PMCID: PMC8962531

NM_000540.3(RYR1):c.12235_12237del (p.Tyr4079del)

Gene: RYR1 (ryanodine receptor 1; plus strand). Cytogenetic location: 19q13.2.
Variant type: Deletion.
Coding change: c.12235_12237del on transcript NM_000540.3 (MANE Select); coding-DNA positions 12235 to 12237, 3 bases deleted (TAC; older notation c.12235_12237delTAC).
Protein change: p.Tyr4079del; deletes tyrosine 4079.
Molecular consequence: inframe deletion.
Genome position (GRCh38, 1-based): chr19:38,548,373-38,548,375, TAC deleted; deleting any 3 consecutive bases within chr19:38,548,371-38,548,375 gives the same sequence; the c. name uses the placement nearest the transcript's 3' end. VCF-style (leftmost placement, unchanged base first): chr19-38548370-GACT-G. GRCh37 (hg19) VCF-style: chr19-39039010-GACT-G.
Other names: c.12220_12222del, p.Tyr4074del (NM_001042723.2); short protein forms Y4074del, Y4079del.
Identifiers: ClinVar variation 3070951 (VCV003070951.1), dbSNP rs2514600797, ClinGen allele CA2825002802.